The following is an entry in ClinVar:

ClinVar aggregate classification (germline): Likely pathogenic. Review status: criteria provided, multiple submitters, no conflicts (2 of 4 stars). 2 submissions from 2 submitters: Likely pathogenic (2). Last evaluated 2025-11-05.

Conditions:
Very long chain acyl-CoA dehydrogenase deficiency (ACADVLD). Also called: Very Long-Chain Acyl-Coenzyme A Dehydrogenase Deficiency; VLCAD Deficiency. Identifiers: Orphanet 26793, MedGen C3887523, MONDO:0008723, OMIM 201475.

gnomAD v4.1: 1 of 1,613,854 alleles (0.000062%); highest among the groups gnomAD compares: South Asian, 0.0011%; no homozygotes.

Submissions (2):

Labcorp Genetics (formerly Invitae), Labcorp
Classification: Likely pathogenic for Very long chain acyl-CoA dehydrogenase deficiency. Last evaluated: 2025-11-05. Review status: criteria provided, single submitter. Criteria: Invitae Variant Classification Sherloc (09022015). Collection method: clinical testing. Allele origin: germline.
Comment: This sequence change replaces arginine, which is basic and polar, with glycine, which is neutral and non-polar, at codon 366 of the ACADVL protein (p.Arg366Gly). This variant is present in population databases (rs771874163, gnomAD 0.003%). This variant has not been reported in the literature in individuals affected with ACADVL-related conditions. ClinVar contains an entry for this variant (Variation ID: 1431175). Invitae Evidence Modeling of protein sequence and biophysical properties (such as structural, functional, and spatial information, amino acid conservation, physicochemical variation, residue mobility, and thermodynamic stability) indicates that this missense variant is expected to disrupt ACADVL protein function with a positive predictive value of 80%. This variant disrupts the p.Arg366 amino acid residue in ACADVL. Other variant(s) that disrupt this residue have been determined to be pathogenic (PMID: 8845838, 9973285, 21932095). This suggests that this residue is clinically significant, and that variants that disrupt this residue are likely to be disease-causing. In summary, the currently available evidence indicates that the variant is pathogenic, but additional data are needed to prove that conclusively. Therefore, this variant has been classified as Likely Pathogenic.

Fulgent Genetics
Classification: Likely pathogenic for Very long chain acyl-CoA dehydrogenase deficiency. Last evaluated: 2024-03-01. Review status: criteria provided, single submitter. Criteria: ACMG Guidelines, 2015. Collection method: clinical testing. Allele origin: germline.

Literature cited by the submitters: PubMed 8845838 (cited by Labcorp Genetics (formerly Invitae), Labcorp); PubMed 9973285 (cited by Labcorp Genetics (formerly Invitae), Labcorp); PubMed 21932095 (cited by Labcorp Genetics (formerly Invitae), Labcorp).

NM_000018.4(ACADVL):c.1096C>G (p.Arg366Gly)

Gene: ACADVL (acyl-CoA dehydrogenase very long chain; plus strand). Cytogenetic location: 17p13.1.
Variant type: single nucleotide variant.
Coding change: c.1096C>G on transcript NM_000018.4 (MANE Select); coding-DNA position 1096, C replaced by G.
Protein change: p.Arg366Gly; replaces arginine 366 with glycine.
Molecular consequence: missense variant.
Genome position (GRCh38, 1-based): chr17:7,223,151, C>G. VCF-style: chr17-7223151-C-G. GRCh37 (hg19) VCF-style: chr17-7126470-C-G.
Other names: c.1030C>G, p.Arg344Gly (NM_001033859.3); c.1165C>G, p.Arg389Gly (NM_001270447.2); c.868C>G, p.Arg290Gly (NM_001270448.2); short protein forms R290G, R389G, R366G, R344G.
Identifiers: ClinVar variation 1431175 (VCV001431175.9), dbSNP rs771874163, ClinGen allele CA8337963.